The following is an entry in ClinVar:

NM_001384732.1(CPLANE1):c.4576G>T (p.Asp1526Tyr)

Gene: CPLANE1 (ciliogenesis and planar polarity effector complex subunit 1; minus strand). Cytogenetic location: 5p13.2.
Variant type: single nucleotide variant.
Coding change: c.4576G>T on transcript NM_001384732.1 (MANE Select); coding-DNA position 4576, G replaced by T.
Protein change: p.Asp1526Tyr; replaces aspartic acid 1526 with tyrosine.
Molecular consequence: missense variant.
Genome position (GRCh38, 1-based): chr5:37,183,605, C>A on the plus strand (G>T on the coding strand, the complement: CPLANE1 is on the minus strand). VCF-style: chr5-37183605-C-A. GRCh37 (hg19) VCF-style: chr5-37183707-C-A.
Other names: c.4576G>T, p.Asp1526Tyr (NM_023073.4); short protein forms D1526Y.
Identifiers: ClinVar variation 1364520 (VCV001364520.10), dbSNP rs1363054900, ClinGen allele CA359497724.

ClinVar aggregate classification (germline): Uncertain significance. Review status: criteria provided, multiple submitters, no conflicts (2 of 4 stars). 3 submissions from 3 submitters: Uncertain significance (3). Last evaluated 2024-01-19.

Conditions:
Orofaciodigital syndrome type 6 (OFD6). Also called: OROFACIODIGITAL SYNDROME VI; OFDS VI; POLYDACTYLY, CLEFT LIP/PALATE OR LINGUAL LUMP, AND PSYCHOMOTOR RETARDATION; VARADI SYNDROME; VARADI-PAPP SYNDROME; Oral-facial-digital syndrome type 6. Identifiers: Orphanet 2754, MedGen C2745997, MONDO:0010176, OMIM 277170.
Joubert syndrome 17 (JBTS17). Identifiers: Orphanet 475, MedGen C3553264, MONDO:0013824, OMIM 614615.

Allele frequency attached by ClinVar (database versions not stated): gnomAD exomes below 0.00001; gnomAD 0.00001; TOPMed 0.00002.
gnomAD v4.1: 2 of 1,612,318 alleles (0.00012%); highest among the groups gnomAD compares: African/African-American, 0.0027%; no homozygotes.

Submissions (3):

Labcorp Genetics (formerly Invitae), Labcorp
Classification: Uncertain significance. Last evaluated: 2024-01-19. Review status: criteria provided, single submitter. Criteria: Invitae Variant Classification Sherloc (09022015). Collection method: clinical testing. Allele origin: germline.
Comment: This sequence change replaces aspartic acid, which is acidic and polar, with tyrosine, which is neutral and polar, at codon 1526 of the CPLANE1 protein (p.Asp1526Tyr). This variant is present in population databases (no rsID available, gnomAD 0.004%). This variant has not been reported in the literature in individuals affected with CPLANE1-related conditions. ClinVar contains an entry for this variant (Variation ID: 1364520). Advanced modeling of protein sequence and biophysical properties (such as structural, functional, and spatial information, amino acid conservation, physicochemical variation, residue mobility, and thermodynamic stability) has been performed at Invitae for this missense variant, however the output from this modeling did not meet the statistical confidence thresholds required to predict the impact of this variant on CPLANE1 protein function. In summary, the available evidence is currently insufficient to determine the role of this variant in disease. Therefore, it has been classified as a Variant of Uncertain Significance.

Blueprint Genetics
Classification: Uncertain significance. Last evaluated: 2022-06-23. Review status: criteria provided, single submitter. Criteria: ACMG Guidelines, 2015. Collection method: clinical testing. Allele origin: germline.

Fulgent Genetics
Classification: Uncertain significance for Orofaciodigital syndrome type 6; Joubert syndrome 17. Last evaluated: 2021-07-06. Review status: criteria provided, single submitter. Criteria: ACMG Guidelines, 2015. Collection method: clinical testing. Allele origin: unknown.